The following is an entry in ClinVar:

ClinVar aggregate classification (germline): Uncertain significance (1 of 4 stars; one submission).

Conditions:
Inborn genetic diseases. Identifiers: MedGen C0950123, MeSH D030342.

gnomAD v4.1: 1 of 1,570,926 alleles (0.000064%); highest among the groups gnomAD compares: Admixed American, 0.0018%; no homozygotes.

Submission:

Ambry Genetics
Classification: Uncertain significance for Inborn genetic diseases. Last evaluated: 2026-04-02. Review status: criteria provided, single submitter. Criteria: Ambry Variant Classification Scheme 2023. Collection method: clinical testing. Allele origin: germline.
Comment: The c.493G>A (p.A165T) alteration is located in exon 2 (coding exon 2) of the SOX18 gene. This alteration results from a G to A substitution at nucleotide position 493, causing the alanine (A) at amino acid position 165 to be replaced by a threonine (T). Based on data from gnomAD, the A allele has an overall frequency of <0.001% (1/190372) total alleles studied. The highest observed frequency was 0.003% (1/30436) of Latino alleles. Based on insufficient or conflicting evidence, the clinical significance of this alteration remains unclear.

NM_018419.3(SOX18):c.493G>A (p.Ala165Thr)

Gene: SOX18 (SRY-box transcription factor 18; minus strand). Cytogenetic location: 20q13.33.
Variant type: single nucleotide variant.
Coding change: c.493G>A on transcript NM_018419.3 (MANE Select); coding-DNA position 493, G replaced by A.
Protein change: p.Ala165Thr; replaces alanine 165 with threonine.
Molecular consequence: missense variant.
Genome position (GRCh38, 1-based): chr20:64,048,828, C>T on the plus strand (G>A on the coding strand, the complement: SOX18 is on the minus strand). VCF-style: chr20-64048828-C-T. GRCh37 (hg19) VCF-style: chr20-62680181-C-T.
Other names: short protein forms A165T.
Identifiers: ClinVar variation 4864958 (VCV004864958.1).
Genomic context (GRCh38, chr20:64,048,828, plus strand): 5'-CGGGCGGTGGCTGCGGGGGCGCTAATCCCGGGAGCAGGAGGCCGGGCTCCAGCCGCCGGG[C>T]CTTGCGCGCCTGCTTCTTGCGGCGCGGCCGGTACTTGTAGTTGGGGTGGTCGCGCAAGTG-3'
Protein context (NP_060889.1, residues 155-175): RPRRKKQARK[Ala165Thr]RRLEPGLLLP